The following is an entry in ClinVar:

NM_007294.4(BRCA1):c.3926_3928del (p.Asn1309del)

Genes: BRCA1 (BRCA1 DNA repair associated; minus strand), LOC126862571 (BRD4-independent group 4 enhancer GRCh37_chr17:41243136-41244335; plus strand). Cytogenetic location: 17q21.31.
Variant type: Deletion.
Coding change: c.3926_3928del on transcript NM_007294.4 (MANE Select); coding-DNA positions 3926 to 3928, 3 bases deleted (ATA; older notation c.3926_3928delATA).
Protein change: p.Asn1309del; deletes asparagine 1309.
Molecular consequence: inframe deletion. On other transcripts: intron variant (135).
Genome position (GRCh38, 1-based): chr17:43,091,603-43,091,605, TAT deleted on the plus strand (ATA on the coding strand, the reverse complement: BRCA1 is on the minus strand); deleting any 3 consecutive bases within chr17:43,091,603-43,091,606 gives the same sequence; the c. name uses the placement nearest the transcript's 3' end. VCF-style (leftmost placement, unchanged base first): chr17-43091602-GTAT-G. GRCh37 (hg19) VCF-style: chr17-41243619-GTAT-G.
Other names: c.3713_3715del, p.Asn1238del (NM_001407571.1, NM_001407853.1, NM_001407894.1 and 9 more transcripts); c.3926_3928del, p.Asn1309del (NM_001407581.1, NM_001407582.1, NM_001407583.1 and 30 more transcripts); c.3923_3925del, p.Asn1308del (NM_001407587.1, NM_001407590.1, NM_001407591.1 and 22 more transcripts); c.3917_3919del, p.Asn1306del (NM_001407646.1, NM_001407647.1); c.3803_3805del, p.Asn1268del (NM_001407648.1, NM_001407664.1, NM_001407665.1 and 19 more transcripts); c.3800_3802del, p.Asn1267del (NM_001407649.1, NM_001407670.1, NM_001407671.1 and 11 more transcripts); c.3848_3850del, p.Asn1283del (NM_001407653.1, NM_001407654.1, NM_001407655.1 and 4 more transcripts); c.3845_3847del, p.Asn1282del (NM_001407659.1, NM_001407660.1, NM_001407661.1 and 1 more transcripts); and 41 more; short protein forms N1262del, N1309del, N1182del, N1221del, N1241del, N1268del, N1283del, N1141del.
Identifiers: ClinVar variation 1053682 (VCV001053682.18), dbSNP rs2154276597, ClinGen allele CA2499224448.
Genomic context (GRCh38, chr17:43,091,602, plus strand): 5'-CTTTCAGACTGATGCCTCATTTGTTTGGAAGAACCAATCAAGAAAGGATCCTGGGTGTTT[GTAT>G]TTGCAGTCAAGTCTTCCAATTCACTGCACTGTGAAGAAAACAAGCTAGCAGAACATTTTG-3'

ClinVar aggregate classification (germline): Uncertain significance (1 of 4 stars; one submission).

Conditions:
Hereditary breast ovarian cancer syndrome. Also called: Hereditary breast and/or ovarian cancer syndrome; Hereditary breast and ovarian cancer syndrome; Hereditary breast and ovarian cancer syndrome (HBOC); Breast and ovarian cancer; Hereditary breast and ovarian cancer; BRCA1- and BRCA2-Associated Hereditary Breast and Ovarian Cancer. Identifiers: Orphanet 145, MedGen C0677776, MeSH D061325, MONDO:0003582. Disease mechanism: loss of function.

Submission:

Labcorp Genetics (formerly Invitae), Labcorp
Classification: Uncertain significance for Hereditary breast ovarian cancer syndrome. Last evaluated: 2020-02-10. Review status: criteria provided, single submitter. Criteria: Invitae Variant Classification Sherloc (09022015). Collection method: clinical testing. Allele origin: germline.
Comment: This variant is not present in population databases (ExAC no frequency). In summary, the available evidence is currently insufficient to determine the role of this variant in disease. Therefore, it has been classified as a Variant of Uncertain Significance. Experimental studies and prediction algorithms are not available or were not evaluated, and the functional significance of this variant is currently unknown. This variant has not been reported in the literature in individuals with BRCA1-related conditions. This variant, c.3926_3928del, results in the deletion of one amino acid of the BRCA1 protein (p.Asn1309del), but otherwise preserves the integrity of the reading frame.